The following is an entry in ClinVar:

NM_016204.4(GDF2):c.61C>A (p.Gln21Lys)

Gene: GDF2 (growth differentiation factor 2; plus strand). Cytogenetic location: 10q11.22.
Variant type: single nucleotide variant.
Coding change: c.61C>A on transcript NM_016204.4 (MANE Select); coding-DNA position 61, C replaced by A.
Protein change: p.Gln21Lys; replaces glutamine 21 with lysine.
Molecular consequence: missense variant.
Genome position (GRCh38, 1-based): chr10:47,322,729, C>A. VCF-style: chr10-47322729-C-A. GRCh37 (hg19) VCF-style: chr10-48416633-G-T.
Other names: short protein forms Q21K.
Identifiers: ClinVar variation 3659896 (VCV003659896.2).

ClinVar aggregate classification (germline): Uncertain significance (1 of 4 stars; one submission).

Conditions:
Telangiectasia, hereditary hemorrhagic, type 5 (HHT5). Identifiers: Orphanet 774, MedGen C3809710, MONDO:0014217, OMIM 615506.

Submission:

Labcorp Genetics (formerly Invitae), Labcorp
Classification: Uncertain significance for Telangiectasia, hereditary hemorrhagic, type 5. Last evaluated: 2024-08-04. Review status: criteria provided, single submitter. Criteria: Invitae Variant Classification Sherloc (09022015). Collection method: clinical testing. Allele origin: germline.
Comment: This sequence change replaces glutamine, which is neutral and polar, with lysine, which is basic and polar, at codon 21 of the GDF2 protein (p.Gln21Lys). This variant is not present in population databases (gnomAD no frequency). This variant has not been reported in the literature in individuals affected with GDF2-related conditions. An algorithm developed to predict the effect of missense changes on protein structure and function (PolyPhen-2) suggests that this variant is likely to be tolerated. In summary, the available evidence is currently insufficient to determine the role of this variant in disease. Therefore, it has been classified as a Variant of Uncertain Significance.